The following is an entry in ClinVar:

NM_003560.4(PLA2G6):c.2389C>T (p.Gln797Ter)

Gene: PLA2G6 (phospholipase A2 group VI; minus strand). Cytogenetic location: 22q13.1.
Variant type: single nucleotide variant.
Coding change: c.2389C>T on transcript NM_003560.4 (MANE Select); coding-DNA position 2389, C replaced by T.
Protein change: p.Gln797Ter; replaces glutamine 797 with a stop codon.
Molecular consequence: nonsense.
Genome position (GRCh38, 1-based): chr22:38,112,193, G>A on the plus strand (C>T on the coding strand, the complement: PLA2G6 is on the minus strand). VCF-style: chr22-38112193-G-A. GRCh37 (hg19) VCF-style: chr22-38508200-G-A.
Other names: NM_001004426.3:c.2227C>T; c.2227C>T, p.Gln743Ter (NM_001004426.3, NM_001199562.3, NM_001349865.2 and 1 more transcripts); c.2389C>T, p.Gln797Ter (NM_001349864.2); c.1855C>T, p.Gln619Ter (NM_001349867.2); c.1711C>T, p.Gln571Ter (NM_001349868.2); c.1693C>T, p.Gln565Ter (NM_001349869.2); short protein forms Q565*, Q743*, Q797*, Q571*, Q619*.
Identifiers: ClinVar variation 2412777 (VCV002412777.2), dbSNP rs1173200526, ClinGen allele CA411523027.
Genomic context (GRCh38, chr22:38,112,193, plus strand): 5'-GCTGGGGCCGGTGAGAGGCTGGGGACCCTCAGGGTGAGAGCAGCAGCTGGATGAGCTTCT[G>A]GAACTCCTCGCGGTGCTCATAGATGTAGACCTCGGTCTCCCAGAGGGCGTTGACCAGCAC-3'

ClinVar aggregate classification (germline): Conflicting classifications of pathogenicity. Review status: criteria provided, conflicting classifications (1 of 4 stars). 2 submissions from 2 submitters: Likely pathogenic (1); Uncertain significance (1). Last evaluated 2025-06-02.

Conditions:
PLA2G6-associated neurodegeneration (PLAN). Also called: phospholipase A2-associated neurodegeneration. Identifiers: Orphanet 329303, MedGen CN204472, MONDO:0017998.
Autosomal recessive Parkinson disease 14. Also called: PARKINSON DISEASE 14; DYSTONIA-PARKINSONISM, ADULT-ONSET. Identifiers: Orphanet 199351, MedGen C2751842, MONDO:0013060, OMIM 612953.
Infantile neuroaxonal dystrophy (NBIA2A). Also called: Infantile neuroaxonal dystrophy 1; NEURODEGENERATION WITH BRAIN IRON ACCUMULATION 2A; SEITELBERGER DISEASE. Identifiers: Orphanet 35069, MedGen C0270724, MONDO:0024457, OMIM 256600.
Neurodegeneration with brain iron accumulation 2B. Also called: aNAD; atypical Neuroaxonal Dystrophy (aNAD); NEUROAXONAL DYSTROPHY, ATYPICAL; NEURODEGENERATION WITH BRAIN IRON ACCUMULATION, PLA2G6-RELATED. Identifiers: Orphanet 35069, MedGen C1857747, MONDO:0012444, OMIM 610217.

Allele frequency attached by ClinVar (database versions not stated): gnomAD exomes below 0.00001.
gnomAD v4.1: 2 of 1,600,774 alleles (0.00012%); highest among the groups gnomAD compares: East Asian, 0.0023%; no homozygotes.

Submissions (2):

First Genomix Gene Laboratory, Genetic Diagnostics Department
Classification: Likely pathogenic for Infantile neuroaxonal dystrophy; Neurodegeneration with brain iron accumulation 2B; Autosomal recessive Parkinson disease 14. Last evaluated: 2025-06-02. Review status: criteria provided, single submitter. Criteria: ACMG Guidelines, 2015. Collection method: clinical testing. Allele origin: germline. Inheritance: Autosomal recessive inheritance. Affected: no. Observed: 1 variant allele.

Broad Center for Mendelian Genomics, Broad Institute of MIT and Harvard
Classification: Uncertain significance for PLA2G6-associated neurodegeneration. Last evaluated: 2023-01-24. Review status: criteria provided, single submitter. Criteria: ACMG Guidelines, 2015. Collection method: curation. Allele origin: germline. Inheritance: Autosomal recessive inheritance.
Comment: The p.Gln797Ter variant in PLA2G6 has been reported in 1 individual, in the heterozygous state, with PLA2G6-associated neurodegeneration (PMID: 22934738), and has been identified in 0.006% (1/17080) of East Asian chromosomes by the Genome Aggregation Database (gnomAD; dbSNP ID: rs1173200526). Although this variant has been seen in the general population in a heterozygous state, its frequency is low enough to be consistent with a recessive carrier frequency. This nonsense variant leads to a premature termination codon at position 797. This alteration occurs within the last exon and is more likely to escape nonsense mediated decay (NMD) and result in a truncated protein. Loss of function of the PLA2G6 gene is an established disease mechanism in autosomal recessive 4H leukodystrophy. In summary, the clinical significance of the p.Gln797Ter variant is uncertain. ACMG/AMP Criteria applied: PVS1_moderate, PM2_supporting (Richards 2015).